The following is an entry in ClinVar:

NM_033380.3(COL4A5):c.826G>A (p.Gly276Ser)

Gene: COL4A5 (collagen type IV alpha 5 chain; plus strand). Cytogenetic location: Xq22.3.
Variant type: single nucleotide variant.
Coding change: c.826G>A on transcript NM_033380.3 (MANE Select); coding-DNA position 826, G replaced by A.
Protein change: p.Gly276Ser; replaces glycine 276 with serine.
Molecular consequence: missense variant.
Genome position (GRCh38, 1-based): chrX:108,580,578, G>A. VCF-style: chrX-108580578-G-A. GRCh37 (hg19) VCF-style: chrX-107823808-G-A.
Other names: c.826G>A, p.Gly276Ser (NM_000495.5); short protein forms G276S.
Identifiers: ClinVar variation 1993856 (VCV001993856.4), dbSNP rs1314371806, ClinGen allele CA413925864.
Genomic context (GRCh38, chrX:108,580,578, plus strand): 5'-CCTACTACTGCATAGGGACTTCCTGGTGACCGAGGGCCTCCTGGACCTCCAGGGATACGT[G>A]GTCCTCCAGTAAGTACCTAAAGTGCTTTAGCATCATTTAATGTAAATTGGTATTGGTACA-3'
Protein context (NP_203699.1, residues 266-286): RGPPGPPGIR[Gly276Ser]PPGPPGGEKG

ClinVar aggregate classification (germline): Likely pathogenic. Review status: criteria provided, multiple submitters, no conflicts (2 of 4 stars). 2 submissions from 2 submitters: Likely pathogenic (2). Last evaluated 2025-11-06.

Conditions:
X-linked Alport syndrome (ATS1). Also called: COL4A5-Related Nephropathy; NEPHROPATHY AND DEAFNESS, X-LINKED. Identifiers: Orphanet 63, Orphanet 88917, MedGen C4746986, MONDO:0010520, OMIM 301050.

Allele frequency attached by ClinVar (database versions not stated): gnomAD exomes below 0.00001.
gnomAD v4.1: 1 of 1,208,733 alleles (0.000083%); highest among the groups gnomAD compares: South Asian, 0.0018%; no homozygotes.

Submissions (2):

Variantyx, Inc.
Classification: Likely pathogenic for X-linked Alport syndrome. Last evaluated: 2025-11-06. Review status: criteria provided, single submitter. Criteria: Variantyx Assertion Criteria 2022. Collection method: clinical testing. Allele origin: maternal. Inheritance: X-linked dominant inheritance. Affected: yes.
Comment: This is a nonsynonymous variant in the COL4A5 gene (OMIM: 303630). Pathogenic variants in this gene have been associated with X-linked Alport syndrome 1. This variant lies within a well-established critical functional domain of the COL4A5 protein (PMID: 8218237, 19344236, 27627812) (PM1_Strong), and multiple computational algorithms predict a deleterious effect (REVEL score: 0.908) (PP3). This variant has a 0.0018% maximum allele frequency in non-founder control populations (PM2). Based on the current evidence, this variant is classified as likely pathogenic for X-linked Alport syndrome 1.

Labcorp Genetics (formerly Invitae), Labcorp
Classification: Likely pathogenic. Last evaluated: 2022-08-25. Review status: criteria provided, single submitter. Criteria: Invitae Variant Classification Sherloc (09022015). Collection method: clinical testing. Allele origin: germline.
Comment: This variant is present in population databases (no rsID available, gnomAD 0.005%). This variant has not been reported in the literature in individuals affected with COL4A5-related conditions. Advanced modeling of protein sequence and biophysical properties (such as structural, functional, and spatial information, amino acid conservation, physicochemical variation, residue mobility, and thermodynamic stability) performed at Invitae indicates that this missense variant is expected to disrupt COL4A5 protein function. This variant disrupts the triple helix domain of COL4A5. Glycine residues within the Gly-Xaa-Yaa repeats of the triple helix domain are required for the structure and stability of fibrillar collagens (PMID: 7695699, 8218237, 19344236). In COL4A5, missense variants at these glycine residues are significantly enriched in individuals with disease (PMID: 23720012, 27627812) compared to the general population (ExAC). In summary, the currently available evidence indicates that the variant is pathogenic, but additional data are needed to prove that conclusively. Therefore, this variant has been classified as Likely Pathogenic. This sequence change replaces glycine, which is neutral and non-polar, with serine, which is neutral and polar, at codon 276 of the COL4A5 protein (p.Gly276Ser).

Literature cited by the submitters: PubMed 8218237 (cited by Variantyx, Inc. and Labcorp Genetics (formerly Invitae), Labcorp); PubMed 19344236 (cited by Variantyx, Inc. and Labcorp Genetics (formerly Invitae), Labcorp); PubMed 27627812 (cited by Variantyx, Inc. and Labcorp Genetics (formerly Invitae), Labcorp); PubMed 7695699 (cited by Labcorp Genetics (formerly Invitae), Labcorp); PubMed 23720012 (cited by Labcorp Genetics (formerly Invitae), Labcorp).